The following is an entry in ClinVar:

ClinVar aggregate classification (germline): Uncertain significance (1 of 4 stars; one submission).

gnomAD v4.1: 2 of 1,551,448 alleles (0.00013%); no homozygotes.

Submission:

Labcorp Genetics (formerly Invitae), Labcorp
Classification: Uncertain significance. Last evaluated: 2022-08-07. Review status: criteria provided, single submitter. Criteria: Invitae Variant Classification Sherloc (09022015). Collection method: clinical testing. Allele origin: germline.
Comment: In summary, the available evidence is currently insufficient to determine the role of this variant in disease. Therefore, it has been classified as a Variant of Uncertain Significance. Algorithms developed to predict the effect of missense changes on protein structure and function output the following: SIFT: "Tolerated"; PolyPhen-2: "Benign"; Align-GVGD: "Class C0". The valine amino acid residue is found in multiple mammalian species, which suggests that this missense change does not adversely affect protein function. This variant has not been reported in the literature in individuals affected with SLC51B-related conditions. This variant is not present in population databases (gnomAD no frequency). This sequence change replaces alanine, which is neutral and non-polar, with valine, which is neutral and non-polar, at codon 7 of the SLC51B protein (p.Ala7Val).

NM_178859.4(SLC51B):c.20C>T (p.Ala7Val)

Genes: RASL12 (RAS like family 12; minus strand), SLC51B (SLC51 subunit beta; plus strand). Cytogenetic location: 15q22.31.
Variant type: single nucleotide variant.
Coding change: c.20C>T on transcript NM_178859.4 (MANE Select); coding-DNA position 20, C replaced by T.
Protein change: p.Ala7Val; replaces alanine 7 with valine.
Molecular consequence: missense variant.
Genome position (GRCh38, 1-based): chr15:65,050,024, C>T. VCF-style: chr15-65050024-C-T. GRCh37 (hg19) VCF-style: chr15-65342362-C-T.
Other names: short protein forms A7V.
Identifiers: ClinVar variation 2022466 (VCV002022466.4), dbSNP rs1193237188, ClinGen allele CA392870491.